The following is an entry in ClinVar:

NM_014476.6(PDLIM3):c.652C>A (p.Pro218Thr)

Gene: PDLIM3 (PDZ and LIM domain 3; minus strand). Cytogenetic location: 4q35.1.
Variant type: single nucleotide variant.
Coding change: c.652C>A on transcript NM_014476.6 (MANE Select); coding-DNA position 652, C replaced by A.
Protein change: p.Pro218Thr; replaces proline 218 with threonine.
Molecular consequence: missense variant. On other transcripts: intron variant (3).
Genome position (GRCh38, 1-based): chr4:185,508,309, G>T on the plus strand (C>A on the coding strand, the complement: PDLIM3 is on the minus strand). VCF-style: chr4-185508309-G-T. GRCh37 (hg19) VCF-style: chr4-186429463-G-T.
Other names: c.162-1657C>A (NM_001257963.2); c.399-1657C>A (NM_001257962.2); c.519-1657C>A (NM_001114107.5); short protein forms P218T.
Identifiers: ClinVar variation 3416614 (VCV003416614.3).

ClinVar aggregate classification (germline): Uncertain significance. Review status: criteria provided, multiple submitters, no conflicts (2 of 4 stars). 2 submissions from 2 submitters: Uncertain significance (2). Last evaluated 2024-12-09.

Conditions:
Primary dilated cardiomyopathy (DCM). Also called: Dilated Cardiomyopathy. Identifiers: Orphanet 217604, MedGen C0007193, MeSH D002311, MONDO:0005021, HP:0001644. Inheritance: Various modes of inheritance.
Hypertrophic cardiomyopathy. Also called: HYPERTROPHIC MYOCARDIOPATHY. Identifiers: Orphanet 217569, MedGen C0007194, MeSH D002312, MONDO:0005045, HP:0001639.

gnomAD v4.1: 1 of 1,614,024 alleles (0.000062%); highest among the groups gnomAD compares: Non-Finnish European, 0.000085%; no homozygotes.

Submissions (2):

Ambry Genetics
Classification: Uncertain significance. Last evaluated: 2024-12-09. Review status: criteria provided, single submitter. Criteria: Ambry Variant Classification Scheme 2023. Collection method: clinical testing. Allele origin: germline.
Comment: The p.P218T variant (also known as c.652C>A), located in coding exon 5 of the PDLIM3 gene, results from a C to A substitution at nucleotide position 652. The proline at codon 218 is replaced by threonine, an amino acid with highly similar properties. This amino acid position is conserved. In addition, this alteration is predicted to be tolerated by in silico analysis. Based on the available evidence, the clinical significance of this variant remains unclear.

Labcorp Genetics (formerly Invitae), Labcorp
Classification: Uncertain significance for Hypertrophic cardiomyopathy; Primary dilated cardiomyopathy. Last evaluated: 2024-03-22. Review status: criteria provided, single submitter. Criteria: Invitae Variant Classification Sherloc (09022015). Collection method: clinical testing. Allele origin: germline.
Comment: This sequence change replaces proline, which is neutral and non-polar, with threonine, which is neutral and polar, at codon 218 of the PDLIM3 protein (p.Pro218Thr). This variant is present in population databases (no rsID available, gnomAD 0.0009%). This variant has not been reported in the literature in individuals affected with PDLIM3-related conditions. Advanced modeling of protein sequence and biophysical properties (such as structural, functional, and spatial information, amino acid conservation, physicochemical variation, residue mobility, and thermodynamic stability) performed at Invitae indicates that this missense variant is not expected to disrupt PDLIM3 protein function with a negative predictive value of 80%. In summary, the available evidence is currently insufficient to determine the role of this variant in disease. Therefore, it has been classified as a Variant of Uncertain Significance.